The following is an entry in ClinVar:

NM_000808.4(GABRA3):c.887C>T (p.Ser296Leu)

Gene: GABRA3 (gamma-aminobutyric acid type A receptor subunit alpha3; minus strand). Cytogenetic location: Xq28.
Variant type: single nucleotide variant.
Coding change: c.887C>T on transcript NM_000808.4 (MANE Select); coding-DNA position 887, C replaced by T.
Protein change: p.Ser296Leu; replaces serine 296 with leucine.
Molecular consequence: missense variant.
Genome position (GRCh38, 1-based): chrX:152,197,677, G>A on the plus strand (C>T on the coding strand, the complement: GABRA3 is on the minus strand). VCF-style: chrX-152197677-G-A. GRCh37 (hg19) VCF-style: chrX-151366149-G-A.
Other names: short protein forms S296L.
Identifiers: ClinVar variation 5018601 (VCV005018601.2).

ClinVar aggregate classification (germline): Uncertain significance (1 of 4 stars; one submission).

Conditions:
Epilepsy, X-linked 2, with or without impaired intellectual development and dysmorphic features (EPILX2). Identifiers: MedGen C5774178, MONDO:0859564, OMIM 301091.

Submission:

Juno Genomics, Hangzhou Juno Genomics, Inc
Classification: Uncertain significance for Epilepsy, X-linked 2, with or without impaired intellectual development and dysmorphic features. Review status: criteria provided, single submitter. Criteria: ACMG Guidelines, 2015. Collection method: clinical testing. Allele origin: germline.
Comment: Absent from controls (or at extremely low frequency if recessive) in Genome Aggregation Database.;Multiple lines of computational evidence support a deleterious effect on the gene or gene product.